The following is an entry in ClinVar:

ClinVar aggregate classification (germline): Uncertain significance (1 of 4 stars; one submission).

gnomAD v4.1: 1 of 1,612,798 alleles (0.000062%); highest among the groups gnomAD compares: Non-Finnish European, 0.000085%; no homozygotes.

Submission:

Labcorp Genetics (formerly Invitae), Labcorp
Classification: Uncertain significance. Last evaluated: 2023-07-10. Review status: criteria provided, single submitter. Criteria: Invitae Variant Classification Sherloc (09022015). Collection method: clinical testing. Allele origin: germline.
Comment: This sequence change replaces threonine, which is neutral and polar, with serine, which is neutral and polar, at codon 258 of the DMXL2 protein (p.Thr258Ser). This variant is not present in population databases (gnomAD no frequency). In summary, the available evidence is currently insufficient to determine the role of this variant in disease. Therefore, it has been classified as a Variant of Uncertain Significance. An algorithm developed to predict the effect of missense changes on protein structure and function (PolyPhen-2) suggests that this variant is likely to be disruptive. ClinVar contains an entry for this variant (Variation ID: 1374452). This variant has not been reported in the literature in individuals affected with DMXL2-related conditions.

NM_001378457.1(DMXL2):c.773C>G (p.Thr258Ser)

Gene: DMXL2 (Dmx like 2; minus strand). Cytogenetic location: 15q21.2.
Variant type: single nucleotide variant.
Coding change: c.773C>G on transcript NM_001378457.1 (MANE Select); coding-DNA position 773, C replaced by G.
Protein change: p.Thr258Ser; replaces threonine 258 with serine.
Molecular consequence: missense variant. On other transcripts: non-coding transcript variant (2).
Genome position (GRCh38, 1-based): chr15:51,545,740, G>C on the plus strand (C>G on the coding strand, the complement: DMXL2 is on the minus strand). VCF-style: chr15-51545740-G-C. GRCh37 (hg19) VCF-style: chr15-51837937-G-C.
Other names: c.773C>G, p.Thr258Ser (NM_001174116.3, NM_001174117.3, NM_001378458.1 and 7 more transcripts); short protein forms T258S.
Identifiers: ClinVar variation 1374452 (VCV001374452.8), dbSNP rs775220583, ClinGen allele CA392469155.